The following is an entry in ClinVar:

ClinVar aggregate classification (germline): Uncertain significance (1 of 4 stars; one submission).

Conditions:
Agammaglobulinemia 2, autosomal recessive (AGM2). Also called: AGAMMAGLOBULINEMIA, AUTOSOMAL RECESSIVE, DUE TO IGLL1 DEFECT. Identifiers: MedGen C3150750, MONDO:0013287, OMIM 613500.

Submission:

Labcorp Genetics (formerly Invitae), Labcorp
Classification: Uncertain significance for Agammaglobulinemia 2, autosomal recessive. Last evaluated: 2019-10-02. Review status: criteria provided, single submitter. Criteria: Invitae Variant Classification Sherloc (09022015). Collection method: clinical testing. Allele origin: germline.
Comment: This variant results in a copy number gain of the genomic region encompassing the full coding sequence of the IGLL1 gene. The boundaries of this event are unknown as they extend beyond the assayed region for this gene and therefore may encompass additional genes. As the precise location of this event is unknown, it may be in tandem or it may be located elsewhere in the genome. This variant has not been reported in the literature in individuals with IGLL1-related disease. In summary, the available evidence is currently insufficient to determine the role of this variant in disease. Therefore, it has been classified as a Variant of Uncertain Significance.

NC_000022.10:g.(?_23915433)_(23922397_?)dup

Gene: IGLL1 (immunoglobulin lambda like polypeptide 1; minus strand). Cytogenetic location: 22q11.23.
Variant type: Duplication.
Identifiers: ClinVar variation 661192 (VCV000661192.2).